The following continues an entry in ClinVar:

NM_000257.4(MYH7):c.2945T>C (p.Met982Thr)

Gene: MYH7. ClinVar aggregate classification (germline): Benign. Benign (1).

Submissions 15 to 23 of 23:

GeneDx
Classification: Benign. Last evaluated: 2019-03-22. Review status: criteria provided, single submitter. Criteria: GeneDx Variant Classification (06012015). Collection method: clinical testing. Allele origin: germline. Affected: yes. Not counted in ClinVar's aggregate classification.
Comment: This variant is considered likely benign or benign based on one or more of the following criteria: it is a conservative change, it occurs at a poorly conserved position in the protein, it is predicted to be benign by multiple in silico algorithms, and/or has population frequency not consistent with disease.

Ambry Genetics
Classification: Likely benign for Cardiovascular phenotype. Last evaluated: 2018-08-01. Review status: criteria provided, single submitter. Criteria: Ambry Variant Classification Scheme 2023. Collection method: clinical testing. Allele origin: germline. Not counted in ClinVar's aggregate classification.

Color Diagnostics, LLC DBA Color Health
Classification: Likely benign for Cardiomyopathy. Last evaluated: 2018-04-20. Review status: criteria provided, single submitter. Criteria: ACMG Guidelines, 2015. Collection method: clinical testing. Allele origin: germline. Not counted in ClinVar's aggregate classification.

CHEO Genetics Diagnostic Laboratory, Children's Hospital of Eastern Ontario
Classification: Benign for Cardiomyopathy. Last evaluated: 2018-01-11. Review status: criteria provided, single submitter. Criteria: ACMG Guidelines, 2015. Collection method: clinical testing. Allele origin: germline. Not counted in ClinVar's aggregate classification.

Eurofins Ntd Llc (ga)
Classification: Uncertain significance. Last evaluated: 2016-02-03. Review status: criteria provided, single submitter. Criteria: EGL Classification Definitions 2015. Collection method: clinical testing. Allele origin: germline. Observed: 1 variant allele, 1 heterozygote. Not counted in ClinVar's aggregate classification.

Stanford Center for Inherited Cardiovascular Disease, Stanford University
Classification: Uncertain significance. Last evaluated: 2015-02-11. Review status: criteria provided, single submitter. Criteria: ACMG Guidelines, 2015. Collection method: provider interpretation. Allele origin: germline. Not counted in ClinVar's aggregate classification.

Biesecker Lab/Clinical Genomics Section, National Institutes of Health
Classification: Likely benign for Increased left ventricular wall thickness. Last evaluated: 2013-06-24. Review status: criteria provided, single submitter. Criteria: Ng et al. (Circ Cardiovasc Genet. 2013). Collection method: research. Allele origin: unknown. Observed: 5 variant alleles. Study: ClinSeq. Not counted in ClinVar's aggregate classification.
Comment: The study set was not selected for affection status in relation to any cancer. Pathogenicity categories were based on literature curation. See Pubmed ID:23861362 for details.

Medical sequencing

PreventionGenetics, part of Exact Sciences
Classification: Benign for MYH7-related condition. Last evaluated: 2020-11-11. Review status: no assertion criteria provided. Collection method: clinical testing. Allele origin: germline. Not counted in ClinVar's aggregate classification.
Comment: This variant is classified as benign based on ACMG/AMP sequence variant interpretation guidelines (Richards et al. 2015 PMID: 25741868, with internal and published modifications).

CSER _CC_NCGL, University of Washington
Classification: Uncertain significance for Increased left ventricular wall thickness. Last evaluated: 2014-06-01. Review status: no assertion criteria provided. Collection method: research. Allele origin: germline. Inheritance: Autosomal dominant inheritance. Study: ESP 6500 variant annotation. Not counted in ClinVar's aggregate classification.
Comment: Variants classified for the Actionable exomic incidental findings in 6503 participants: challenges of variant classification manuscript

Literature cited by the submitters: PubMed 29300372 (cited by ClinGen Cardiomyopathy Variant Curation Expert Panel); PubMed 16754800 (cited by 3 submitters); PubMed 20800588 (cited by Women's Health and Genetics/Laboratory Corporation of America, LabCorp); PubMed 20624503 (cited by 3 submitters); PubMed 21511876 (cited by Women's Health and Genetics/Laboratory Corporation of America, LabCorp); PubMed 23396983 (cited by Women's Health and Genetics/Laboratory Corporation of America, LabCorp); PubMed 23299917 (cited by 3 submitters); PubMed 22958901 (cited by Women's Health and Genetics/Laboratory Corporation of America, LabCorp); PubMed 24111713 (cited by Women's Health and Genetics/Laboratory Corporation of America, LabCorp); PubMed 24503780 (cited by Women's Health and Genetics/Laboratory Corporation of America, LabCorp and Ambry Genetics); PubMed 25524337 (cited by Women's Health and Genetics/Laboratory Corporation of America, LabCorp); PubMed 24119082 (cited by Women's Health and Genetics/Laboratory Corporation of America, LabCorp and Ambry Genetics); PubMed 23426552 (cited by Women's Health and Genetics/Laboratory Corporation of America, LabCorp and Laboratory for Molecular Medicine, Mass General Brigham Personalized Medicine); PubMed 25163546 (cited by Women's Health and Genetics/Laboratory Corporation of America, LabCorp); PubMed 26743238 (cited by Women's Health and Genetics/Laboratory Corporation of America, LabCorp); PubMed 23349452 (cited by Women's Health and Genetics/Laboratory Corporation of America, LabCorp and Laboratory for Molecular Medicine, Mass General Brigham Personalized Medicine); PubMed 28193612 (cited by Women's Health and Genetics/Laboratory Corporation of America, LabCorp); PubMed 21499742 (cited by 3 submitters); PubMed 28265379 (cited by Women's Health and Genetics/Laboratory Corporation of America, LabCorp and Ambry Genetics); PubMed 20031602 (cited by Women's Health and Genetics/Laboratory Corporation of America, LabCorp); PubMed 30775854 (cited by Women's Health and Genetics/Laboratory Corporation of America, LabCorp); PubMed 31006259 (cited by Women's Health and Genetics/Laboratory Corporation of America, LabCorp); PubMed 22763267 (cited by Laboratory for Molecular Medicine, Mass General Brigham Personalized Medicine); PubMed 23861362 (cited by Ambry Genetics); PubMed 24055113 (cited by Ambry Genetics); PubMed 25351510 (cited by Ambry Genetics); PubMed 26332594 (cited by Ambry Genetics); PubMed 28416588 (cited by Ambry Genetics); PubMed 28807990 (cited by Ambry Genetics); PubMed 28971120 (cited by Ambry Genetics); PubMed 29915098 (cited by Ambry Genetics).